The following is an entry in ClinVar:

NM_006206.6(PDGFRA):c.2941C>T (p.Arg981Cys)

Gene: PDGFRA (platelet derived growth factor receptor alpha; plus strand). Cytogenetic location: 4q12.
Variant type: single nucleotide variant.
Coding change: c.2941C>T on transcript NM_006206.6 (MANE Select); coding-DNA position 2941, C replaced by T.
Protein change: p.Arg981Cys; replaces arginine 981 with cysteine.
Molecular consequence: missense variant.
Genome position (GRCh38, 1-based): chr4:54,290,373, C>T. VCF-style: chr4-54290373-C-T. GRCh37 (hg19) VCF-style: chr4-55156540-C-T.
Other names: c.3016C>T, p.Arg1006Cys (NM_001347828.2); c.2941C>T, p.Arg981Cys (NM_001347829.2); c.2980C>T, p.Arg994Cys (NM_001347830.2); short protein forms R994C, R1006C, R981C.
Identifiers: ClinVar variation 639349 (VCV000639349.12), dbSNP rs775205485, ClinGen allele CA2922994.

ClinVar aggregate classification (germline): Uncertain significance. Review status: criteria provided, multiple submitters, no conflicts (2 of 4 stars). 3 submissions from 3 submitters: Uncertain significance (3). Last evaluated 2025-12-09.

Conditions:
Hereditary cancer-predisposing syndrome. Also called: Hereditary Cancer Syndrome; Tumor predisposition; Neoplastic Syndromes, Hereditary; Hereditary neoplastic syndrome. Identifiers: Orphanet 140162, MedGen C0027672, MeSH D009386, MONDO:0015356.
Gastrointestinal stromal tumor. Also called: Gastrointestinal stromal tumor, somatic; Gastrointestinal stroma tumor. Identifiers: Orphanet 44890, MedGen C0238198, MeSH D046152, MONDO:0011719, OMIM 606764, HP:0100723.

Allele frequency attached by ClinVar (database versions not stated): ExAC 0.00001; gnomAD 0.00001; gnomAD exomes 0.00001; TOPMed 0.00002.
gnomAD v4.1: 17 of 1,611,846 alleles (0.0011%); highest among the groups gnomAD compares: East Asian, 0.0089%; no homozygotes.

Submissions (3):

Labcorp Genetics (formerly Invitae), Labcorp
Classification: Uncertain significance for Gastrointestinal stromal tumor. Last evaluated: 2025-12-09. Review status: criteria provided, single submitter. Criteria: Invitae Variant Classification Sherloc (09022015). Collection method: clinical testing. Allele origin: germline.
Comment: This sequence change replaces arginine, which is basic and polar, with cysteine, which is neutral and slightly polar, at codon 981 of the PDGFRA protein (p.Arg981Cys). This variant is present in population databases (rs775205485, gnomAD 0.007%). This variant has not been reported in the literature in individuals affected with PDGFRA-related conditions. ClinVar contains an entry for this variant (Variation ID: 639349). Invitae Evidence Modeling of protein sequence and biophysical properties (such as structural, functional, and spatial information, amino acid conservation, physicochemical variation, residue mobility, and thermodynamic stability) indicates that this missense variant is not expected to disrupt PDGFRA protein function with a negative predictive value of 80%. In summary, the available evidence is currently insufficient to determine the role of this variant in disease. Therefore, it has been classified as a Variant of Uncertain Significance.

Ambry Genetics
Classification: Uncertain significance for Hereditary cancer-predisposing syndrome. Last evaluated: 2025-05-05. Review status: criteria provided, single submitter. Criteria: Ambry Variant Classification Scheme 2023. Collection method: clinical testing. Allele origin: germline.
Comment: The p.R981C variant (also known as c.2941C>T), located in coding exon 21 of the PDGFRA gene, results from a C to T substitution at nucleotide position 2941. The arginine at codon 981 is replaced by cysteine, an amino acid with highly dissimilar properties. This amino acid position is well conserved in available vertebrate species. In addition, this alteration is predicted to be tolerated by in silico analysis. Based on the available evidence, the clinical significance of this variant remains unclear.

GeneDx
Classification: Uncertain significance. Last evaluated: 2024-01-17. Review status: criteria provided, single submitter. Criteria: GeneDx Variant Classification Process June 2021. Collection method: clinical testing. Allele origin: germline. Affected: yes.
Comment: Not observed at significant frequency in large population cohorts (gnomAD); In silico analysis supports that this missense variant has a deleterious effect on protein structure/function; Has not been previously published as pathogenic or benign to our knowledge